The following is an entry in ClinVar:

NM_152393.4(KLHL40):c.148G>T (p.Val50Leu)

Gene: KLHL40 (kelch like family member 40; plus strand). Cytogenetic location: 3p22.1.
Variant type: single nucleotide variant.
Coding change: c.148G>T on transcript NM_152393.4 (MANE Select); coding-DNA position 148, G replaced by T.
Protein change: p.Val50Leu; replaces valine 50 with leucine.
Molecular consequence: missense variant.
Genome position (GRCh38, 1-based): chr3:42,685,766, G>T. VCF-style: chr3-42685766-G-T. GRCh37 (hg19) VCF-style: chr3-42727258-G-T.
Other names: short protein forms V50L.
Identifiers: ClinVar variation 1398142 (VCV001398142.6), dbSNP rs1004240706, ClinGen allele CA352288783.

ClinVar aggregate classification (germline): Uncertain significance (1 of 4 stars; one submission).

Conditions:
Nemaline myopathy 8 (NEM8). Also called: Nemaline myopathy 8, autosomal recessive. Identifiers: Orphanet 171430, MedGen C3809209, MONDO:0014138, OMIM 615348.

gnomAD v4.1: 1 of 1,612,340 alleles (0.000062%); highest among the groups gnomAD compares: Non-Finnish European, 0.000085%; no homozygotes.

Submission:

Labcorp Genetics (formerly Invitae), Labcorp
Classification: Uncertain significance for Nemaline myopathy 8. Last evaluated: 2022-02-08. Review status: criteria provided, single submitter. Criteria: Invitae Variant Classification Sherloc (09022015). Collection method: clinical testing. Allele origin: germline.
Comment: Algorithms developed to predict the effect of missense changes on protein structure and function are either unavailable or do not agree on the potential impact of this missense change (SIFT: "Deleterious"; PolyPhen-2: "Possibly Damaging"; Align-GVGD: "Class C0"). In summary, the available evidence is currently insufficient to determine the role of this variant in disease. Therefore, it has been classified as a Variant of Uncertain Significance. This variant has not been reported in the literature in individuals affected with KLHL40-related conditions. This sequence change replaces valine, which is neutral and non-polar, with leucine, which is neutral and non-polar, at codon 50 of the KLHL40 protein (p.Val50Leu). This variant is not present in population databases (gnomAD no frequency).